The following is an entry in ClinVar:

ClinVar aggregate classification (germline): Uncertain significance (1 of 4 stars; one submission).

Conditions:
Rhabdoid tumor predisposition syndrome 2 (RTPS2). Identifiers: Orphanet 231108, Orphanet 69077, MedGen C2750074, MONDO:0013224, OMIM 613325.

Submission:

Labcorp Genetics (formerly Invitae), Labcorp
Classification: Uncertain significance for Rhabdoid tumor predisposition syndrome 2. Last evaluated: 2025-05-21. Review status: criteria provided, single submitter. Criteria: Invitae Variant Classification Sherloc (09022015). Collection method: clinical testing. Allele origin: germline.
Comment: This sequence change replaces phenylalanine, which is neutral and non-polar, with leucine, which is neutral and non-polar, at codon 412 of the SMARCA4 protein (p.Phe412Leu). This variant is not present in population databases (gnomAD no frequency). This variant has not been reported in the literature in individuals affected with SMARCA4-related conditions. ClinVar contains an entry for this variant (Variation ID: 2119183). Invitae Evidence Modeling of protein sequence and biophysical properties (such as structural, functional, and spatial information, amino acid conservation, physicochemical variation, residue mobility, and thermodynamic stability) has been performed for this missense variant. However, the output from this modeling did not meet the statistical confidence thresholds required to predict the impact of this variant on SMARCA4 protein function. In summary, the available evidence is currently insufficient to determine the role of this variant in disease. Therefore, it has been classified as a Variant of Uncertain Significance.

NM_003072.5(SMARCA4):c.1234T>C (p.Phe412Leu)

Gene: SMARCA4 (SWI/SNF related BAF chromatin remodeling complex subunit ATPase 4; plus strand). Cytogenetic location: 19p13.2.
Variant type: single nucleotide variant.
Coding change: c.1234T>C on transcript NM_003072.5 (MANE Select); coding-DNA position 1234, T replaced by C.
Protein change: p.Phe412Leu; replaces phenylalanine 412 with leucine.
Molecular consequence: missense variant. On other transcripts: non-coding transcript variant (1).
Genome position (GRCh38, 1-based): chr19:10,989,432, T>C. VCF-style: chr19-10989432-T-C. GRCh37 (hg19) VCF-style: chr19-11100108-T-C.
Other names: c.1234T>C, p.Phe412Leu (NM_001128844.3, NM_001128845.2, NM_001128846.2 and 6 more transcripts); short protein forms F412L.
Identifiers: ClinVar variation 2119183 (VCV002119183.4), dbSNP rs2145850113, ClinGen allele CA404059803.